The following is an entry in ClinVar:

NM_005422.4(TECTA):c.6368-10C>G

Genes: TBCEL-TECTA (TBCEL-TECTA readthrough; plus strand), TECTA (tectorin alpha; plus strand). Cytogenetic location: 11q23.3.
Variant type: single nucleotide variant.
Coding change: c.6368-10C>G on transcript NM_005422.4 (MANE Select); 10 bases into the intron before coding-DNA position 6368, C replaced by G.
Molecular consequence: intron variant.
Genome position (GRCh38, 1-based): chr11:121,190,696, C>G. VCF-style: chr11-121190696-C-G. GRCh37 (hg19) VCF-style: chr11-121061405-C-G.
Other names: c.7310-10C>G (NM_001378761.1).
Identifiers: ClinVar variation 3676289 (VCV003676289.2).

ClinVar aggregate classification (germline): Uncertain significance (1 of 4 stars; one submission).

gnomAD v4.1: 1 of 1,607,308 alleles (0.000062%); highest among the groups gnomAD compares: African/African-American, 0.0013%; no homozygotes.

Submission:

Labcorp Genetics (formerly Invitae), Labcorp
Classification: Uncertain significance. Last evaluated: 2024-10-30. Review status: criteria provided, single submitter. Criteria: Invitae Variant Classification Sherloc (09022015). Collection method: clinical testing. Allele origin: germline.
Comment: This sequence change falls in intron 22 of the TECTA gene. It does not directly change the encoded amino acid sequence of the TECTA protein. This variant is not present in population databases (gnomAD no frequency). This variant has not been reported in the literature in individuals affected with TECTA-related conditions. Algorithms developed to predict the effect of sequence changes on RNA splicing suggest that this variant may disrupt the consensus splice site. In summary, the available evidence is currently insufficient to determine the role of this variant in disease. Therefore, it has been classified as a Variant of Uncertain Significance.